The following is an entry in ClinVar:

NM_006514.4(SCN10A):c.3764T>C (p.Leu1255Pro)

Gene: SCN10A (sodium voltage-gated channel alpha subunit 10; minus strand). Cytogenetic location: 3p22.2.
Variant type: single nucleotide variant.
Coding change: c.3764T>C on transcript NM_006514.4 (MANE Select); coding-DNA position 3764, T replaced by C.
Protein change: p.Leu1255Pro; replaces leucine 1255 with proline.
Molecular consequence: missense variant.
Genome position (GRCh38, 1-based): chr3:38,713,998, A>G on the plus strand (T>C on the coding strand, the complement: SCN10A is on the minus strand). VCF-style: chr3-38713998-A-G. GRCh37 (hg19) VCF-style: chr3-38755489-A-G.
Other names: c.3761T>C, p.Leu1254Pro (NM_001293306.2); c.3470T>C, p.Leu1157Pro (NM_001293307.2); short protein forms L1254P, L1157P, L1255P.
Identifiers: ClinVar variation 3950865 (VCV003950865.1).

ClinVar aggregate classification (germline): Uncertain significance (1 of 4 stars; one submission).

Conditions:
Cardiovascular phenotype. Identifiers: MedGen CN230736.

Submission:

Ambry Genetics
Classification: Uncertain significance for Cardiovascular phenotype. Last evaluated: 2025-04-30. Review status: criteria provided, single submitter. Criteria: Ambry Variant Classification Scheme 2023. Collection method: clinical testing. Allele origin: germline.
Comment: The p.L1255P variant (also known as c.3764T>C), located in coding exon 21 of the SCN10A gene, results from a T to C substitution at nucleotide position 3764. The leucine at codon 1255 is replaced by proline, an amino acid with similar properties. This amino acid position is conserved. In addition, this alteration is predicted to be deleterious by in silico analysis. Based on the available evidence, the clinical significance of this variant remains unclear.